The following is an entry in ClinVar:

NM_000350.3(ABCA4):c.1554+6G>C

Gene: ABCA4 (ATP binding cassette subfamily A member 4; minus strand). Cytogenetic location: 1p22.1.
Variant type: single nucleotide variant.
Coding change: c.1554+6G>C on transcript NM_000350.3 (MANE Select); 6 bases into the intron after coding-DNA position 1554, G replaced by C.
Molecular consequence: intron variant.
Genome position (GRCh38, 1-based): chr1:94,077,684, C>G on the plus strand (G>C on the coding strand, the complement: ABCA4 is on the minus strand). VCF-style: chr1-94077684-C-G. GRCh37 (hg19) VCF-style: chr1-94543240-C-G.
Identifiers: ClinVar variation 1508447 (VCV001508447.6), dbSNP rs2101100839, ClinGen allele CA2573132721.

ClinVar aggregate classification (germline): Uncertain significance (1 of 4 stars; one submission).

gnomAD v4.1: 1 of 1,607,982 alleles (0.000062%); no homozygotes.

Submission:

Labcorp Genetics (formerly Invitae), Labcorp
Classification: Uncertain significance. Last evaluated: 2022-04-05. Review status: criteria provided, single submitter. Criteria: Invitae Variant Classification Sherloc (09022015). Collection method: clinical testing. Allele origin: germline.
Comment: In summary, the available evidence is currently insufficient to determine the role of this variant in disease. Therefore, it has been classified as a Variant of Uncertain Significance. Variants that disrupt the consensus splice site are a relatively common cause of aberrant splicing (PMID: 17576681, 9536098). Algorithms developed to predict the effect of sequence changes on RNA splicing suggest that this variant is not likely to affect RNA splicing. This variant has not been reported in the literature in individuals affected with ABCA4-related conditions. This variant is not present in population databases (gnomAD no frequency). This sequence change falls in intron 11 of the ABCA4 gene. It does not directly change the encoded amino acid sequence of the ABCA4 protein. It affects a nucleotide within the consensus splice site.

Literature cited by the submitters: PubMed 17576681; PubMed 9536098.